The following is an entry in ClinVar:

NM_000505.4(F12):c.1485C>G (p.Ser495=)

Gene: F12 (coagulation factor XII; minus strand). Cytogenetic location: 5q35.3.
Variant type: single nucleotide variant.
Coding change: c.1485C>G on transcript NM_000505.4 (MANE Select); coding-DNA position 1485, C replaced by G.
Protein change: p.Ser495=; no amino-acid change (serine 495 retained).
Molecular consequence: synonymous variant.
Genome position (GRCh38, 1-based): chr5:177,403,300, G>C on the plus strand (C>G on the coding strand, the complement: F12 is on the minus strand). VCF-style: chr5-177403300-G-C. GRCh37 (hg19) VCF-style: chr5-176830301-G-C.
Identifiers: ClinVar variation 3025588 (VCV003025588.24), dbSNP rs113304533, ClinGen allele CA3581158.

ClinVar aggregate classification (germline): Likely benign. Review status: criteria provided, multiple submitters, no conflicts (2 of 4 stars). 2 submissions from 2 submitters: Likely benign (2). Last evaluated 2025-10-13.

Allele frequency attached by ClinVar (database versions not stated): ExAC 0.00002; gnomAD 0.00003; ESP Exome Variant Server 0.00008.

Submissions (2):

Labcorp Genetics (formerly Invitae), Labcorp
Classification: Likely benign. Last evaluated: 2025-10-13. Review status: criteria provided, single submitter. Criteria: Invitae Variant Classification Sherloc (09022015). Collection method: clinical testing. Allele origin: germline.

CeGaT Center for Human Genetics Tuebingen
Classification: Likely benign. Last evaluated: 2023-12-01. Review status: criteria provided, single submitter. Criteria: CeGaT Center For Human Genetics Tuebingen Variant Classification Criteria Version 2. Collection method: clinical testing. Allele origin: germline. Affected: yes. Observed: 1 variant allele.
Comment: F12: BP4, BP7